The following is an entry in ClinVar:

ClinVar aggregate classification (germline): Pathogenic/Likely pathogenic. Review status: criteria provided, multiple submitters, no conflicts (2 of 4 stars). 2 submissions from 2 submitters: Pathogenic (1); Likely pathogenic (1). Last evaluated 2025-10-04.

Conditions:
Retinal dystrophy. Also called: Inherited retinal dystrophy. Identifiers: Orphanet 71862, MedGen C0854723, MeSH D058499, MONDO:0019118, HP:0000556.

Allele frequency attached by ClinVar (database versions not stated): gnomAD exomes below 0.00001.
gnomAD v4.1: 1 of 1,614,158 alleles (0.000062%); highest among the groups gnomAD compares: Non-Finnish European, 0.000085%; no homozygotes.

Submissions (2):

Labcorp Genetics (formerly Invitae), Labcorp
Classification: Pathogenic. Last evaluated: 2025-10-04. Review status: criteria provided, single submitter. Criteria: Invitae Variant Classification Sherloc (09022015). Collection method: clinical testing. Allele origin: germline.
Comment: This sequence change replaces glycine, which is neutral and non-polar, with glutamic acid, which is acidic and polar, at codon 1136 of the ABCA4 protein (p.Gly1136Glu). This variant is not present in population databases (gnomAD no frequency). This missense change has been observed in individual(s) with clinical features of autosomal recessive cone rod dystrophy or Stargardt disease (PMID: 23591405; internal data). In at least one individual the data is consistent with being in trans (on the opposite chromosome) from a pathogenic variant. ClinVar contains an entry for this variant (Variation ID: 866879). Invitae Evidence Modeling of protein sequence and biophysical properties (such as structural, functional, and spatial information, amino acid conservation, physicochemical variation, residue mobility, and thermodynamic stability) indicates that this missense variant is expected to disrupt ABCA4 protein function with a positive predictive value of 95%. This variant disrupts the p.Gly1136 amino acid residue in ABCA4. Other variant(s) that disrupt this residue have been observed in individuals with ABCA4-related conditions (PMID: 28327576), which suggests that this may be a clinically significant amino acid residue. For these reasons, this variant has been classified as Pathogenic.

Institute of Human Genetics, Univ. Regensburg, Univ. Regensburg
Classification: Likely pathogenic for Retinal dystrophy. Last evaluated: 2020-01-01. Review status: criteria provided, single submitter. Criteria: ACMG Guidelines, 2015. Collection method: clinical testing. Allele origin: germline. Affected: yes.

Literature cited by the submitters: PubMed 23591405 (cited by Labcorp Genetics (formerly Invitae), Labcorp and Institute of Human Genetics, Univ. Regensburg, Univ. Regensburg); PubMed 28327576 (cited by Labcorp Genetics (formerly Invitae), Labcorp); PubMed 3253185 (cited by Institute of Human Genetics, Univ. Regensburg, Univ. Regensburg).

NM_000350.3(ABCA4):c.3407G>A (p.Gly1136Glu)

Gene: ABCA4 (ATP binding cassette subfamily A member 4; minus strand). Cytogenetic location: 1p22.1.
Variant type: single nucleotide variant.
Coding change: c.3407G>A on transcript NM_000350.3 (MANE Select); coding-DNA position 3407, G replaced by A.
Protein change: p.Gly1136Glu; replaces glycine 1136 with glutamic acid.
Molecular consequence: missense variant.
Genome position (GRCh38, 1-based): chr1:94,041,324, C>T on the plus strand (G>A on the coding strand, the complement: ABCA4 is on the minus strand). VCF-style: chr1-94041324-C-T. GRCh37 (hg19) VCF-style: chr1-94506880-C-T.
Other names: c.3185G>A, p.Gly1062Glu (NM_001425324.1); short protein forms G1136E, G1062E.
Identifiers: ClinVar variation 866879 (VCV000866879.11), dbSNP rs1660480045, ClinGen allele CA341290977.
Genomic context (GRCh38, chr1:94,041,324, plus strand): 5'-TACAAGCCTGTGCCAAAGCAGTTCTTCAGGAAGAGTGGGGTGCCTGAGCAGTAGAGCCTT[C>T]CCTGGGCAATGATGGCAATGCGGTCCCCAAGGAGGTCGGCCTCGTCCATGTGGTGAGTGG-3'
Protein context (NP_000341.2, residues 1126-1146): LGDRIAIIAQ[Gly1136Glu]RLYCSGTPLF